The following is an entry in ClinVar:

ClinVar aggregate classification (germline): Pathogenic. Review status: criteria provided, multiple submitters, no conflicts (2 of 4 stars). 2 submissions from 2 submitters: Pathogenic (2). Last evaluated 2024-05-01.

Conditions:
Usher syndrome. Also called: Usher Syndromes; Usher's syndrome. Identifiers: Orphanet 886, MedGen CN469326, MeSH D052245, MONDO:0019501. Disease mechanism: loss of function.

Submissions (2):

Laboratory of Human Genetics, Universidade de São Paulo
Classification: Pathogenic for Usher syndrome. Last evaluated: 2024-05-01. Review status: criteria provided, single submitter. Criteria: ClinGen HL ACMG Specifications v1. Collection method: research. Allele origin: unknown. Affected: yes. Observed: 1 variant allele.
Comment: The USH2A:NM_206933.2:c.12100G>T is a null variant in a gene where loss of function is a known mechanism of disease (PVS1), extremely low frequency in gnomAD population databases (PM2), it is associated with a recessive disorder, detected in trans with a pathogenic variant, in affected cases (PM3), reported in ClinVar in affected individuals (PP5).

Labcorp Genetics (formerly Invitae), Labcorp
Classification: Pathogenic. Last evaluated: 2023-10-03. Review status: criteria provided, single submitter. Criteria: Invitae Variant Classification Sherloc (09022015). Collection method: clinical testing. Allele origin: germline.
Comment: This sequence change creates a premature translational stop signal (p.Glu4034*) in the USH2A gene. It is expected to result in an absent or disrupted protein product. Loss-of-function variants in USH2A are known to be pathogenic (PMID: 10729113, 10909849, 20507924, 25649381). This variant is not present in population databases (gnomAD no frequency). This variant has not been reported in the literature in individuals affected with USH2A-related conditions. ClinVar contains an entry for this variant (Variation ID: 1426945). For these reasons, this variant has been classified as Pathogenic.

Literature cited by the submitters: PubMed 10729113 (cited by Labcorp Genetics (formerly Invitae), Labcorp); PubMed 10909849 (cited by Labcorp Genetics (formerly Invitae), Labcorp); PubMed 20507924 (cited by Labcorp Genetics (formerly Invitae), Labcorp); PubMed 25649381 (cited by Labcorp Genetics (formerly Invitae), Labcorp).

NM_206933.4(USH2A):c.12100G>T (p.Glu4034Ter)

Gene: USH2A (usherin; minus strand). Cytogenetic location: 1q41.
Variant type: single nucleotide variant.
Coding change: c.12100G>T on transcript NM_206933.4 (MANE Select); coding-DNA position 12100, G replaced by T.
Protein change: p.Glu4034Ter; replaces glutamic acid 4034 with a stop codon.
Molecular consequence: nonsense.
Genome position (GRCh38, 1-based): chr1:215,680,343, C>A on the plus strand (G>T on the coding strand, the complement: USH2A is on the minus strand). VCF-style: chr1-215680343-C-A. GRCh37 (hg19) VCF-style: chr1-215853685-C-A.
Other names: c.[12100G>T] (NM_206933.2); c.12100G>T (NM_206933.2); short protein forms E4034*.
Identifiers: ClinVar variation 1426945 (VCV001426945.8), dbSNP rs794729203, ClinGen allele CA344816686.